The following is an entry in ClinVar:

ClinVar aggregate classification (germline): Uncertain significance (1 of 4 stars; one submission).

Submission:

Labcorp Genetics (formerly Invitae), Labcorp
Classification: Uncertain significance. Last evaluated: 2020-09-10. Review status: criteria provided, single submitter. Criteria: Invitae Variant Classification Sherloc (09022015). Collection method: clinical testing. Allele origin: germline.
Comment: In summary, the available evidence is currently insufficient to determine the role of this variant in disease. Therefore, it has been classified as a Variant of Uncertain Significance. Algorithms developed to predict the effect of missense changes on protein structure and function are either unavailable or do not agree on the potential impact of this missense change (SIFT: "Not Available"; PolyPhen-2: "Benign"; Align-GVGD: "Not Available"). This variant has not been reported in the literature in individuals with NTHL1-related conditions. This variant is not present in population databases (ExAC no frequency). This sequence change replaces aspartic acid with glutamic acid at codon 91 of the NTHL1 protein (p.Asp91Glu). The aspartic acid residue is weakly conserved and there is a small physicochemical difference between aspartic acid and glutamic acid.

NM_002528.7(NTHL1):c.249C>G (p.Asp83Glu)

Gene: NTHL1 (nth like DNA glycosylase 1; minus strand). Cytogenetic location: 16p13.3.
Variant type: single nucleotide variant.
Coding change: c.249C>G on transcript NM_002528.7 (MANE Select); coding-DNA position 249, C replaced by G.
Protein change: p.Asp83Glu; replaces aspartic acid 83 with glutamic acid.
Molecular consequence: missense variant. On other transcripts: intron variant (1).
Genome position (GRCh38, 1-based): chr16:2,046,233, G>C on the plus strand (C>G on the coding strand, the complement: NTHL1 is on the minus strand). VCF-style: chr16-2046233-G-C. GRCh37 (hg19) VCF-style: chr16-2096234-G-C.
Other names: c.249C>G, p.Asp83Glu (NM_001318193.2); c.24+47C>G (NM_001318194.2); short protein forms D83E.
Identifiers: ClinVar variation 1015215 (VCV001015215.7), dbSNP rs2084372612, ClinGen allele CA394297147.